The following is an entry in ClinVar:

ClinVar aggregate classification (germline): Likely benign. Review status: criteria provided, multiple submitters, no conflicts (2 of 4 stars). 2 submissions from 2 submitters: Likely benign (2). Last evaluated 2025-02-01.

Allele frequency attached by ClinVar (database versions not stated): gnomAD exomes 0.00005 and 0.00006; ExAC 0.00008; ESP Exome Variant Server 0.00009; gnomAD 0.00009; TOPMed 0.00009.
gnomAD v4.1: 87 of 1,605,938 alleles (0.0054%); highest among the groups gnomAD compares: African/African-American, 0.021%; no homozygotes.

Submissions (2):

CeGaT Center for Human Genetics Tuebingen
Classification: Likely benign. Last evaluated: 2025-02-01. Review status: criteria provided, single submitter. Criteria: CeGaT Center For Human Genetics Tuebingen Variant Classification Criteria Version 2. Collection method: clinical testing. Allele origin: germline. Affected: yes. Observed: 1 variant allele.
Comment: WASHC4: BP4, BP7

Genetic Services Laboratory, University of Chicago
Classification: Likely benign. Last evaluated: 2016-12-19. Review status: criteria provided, single submitter. Criteria: ACMG Guidelines, 2015. Collection method: clinical testing. Allele origin: germline. Affected: no.

NM_015275.3(WASHC4):c.141C>T (p.Asp47=)

Gene: WASHC4 (WASH complex subunit 4; plus strand). Cytogenetic location: 12q23.3.
Variant type: single nucleotide variant.
Coding change: c.141C>T on transcript NM_015275.3 (MANE Select); coding-DNA position 141, C replaced by T.
Protein change: p.Asp47=; no amino-acid change (aspartic acid 47 retained).
Molecular consequence: synonymous variant.
Genome position (GRCh38, 1-based): chr12:105,111,204, C>T. VCF-style: chr12-105111204-C-T. GRCh37 (hg19) VCF-style: chr12-105504982-C-T.
Other names: c.141C>T, p.Asp47= (NM_001293640.2).
Identifiers: ClinVar variation 435570 (VCV000435570.19), dbSNP rs368178226, ClinGen allele CA6758213.